The following is an entry in ClinVar:

ClinVar aggregate classification (germline): Pathogenic (1 of 4 stars; one submission).

Submission:

ARUP Laboratories, Molecular Genetics and Genomics, ARUP Laboratories
Classification: Pathogenic. Last evaluated: 2023-03-08. Review status: criteria provided, single submitter. Criteria: ARUP Molecular Germline Variant Investigation Process 2024. Collection method: clinical testing. Allele origin: germline.
Comment: The SPTB c.1189del; p.Glu397LysfsTer14 variant, to our knowledge, is not reported in the medical literature or gene specific databases. This variant is also absent from the Genome Aggregation Database, indicating it is not a common polymorphism. This variant causes a frameshift by deleting a single nucleotide, so it is predicted to result in a truncated protein or mRNA subject to nonsense-mediated decay. Based on available information, this variant is considered to be pathogenic.

NM_001355436.2(SPTB):c.1189del (p.Glu397fs)

Gene: SPTB (spectrin beta, erythrocytic; minus strand). Cytogenetic location: 14q23.3.
Variant type: Deletion.
Coding change: c.1189del on transcript NM_001355436.2 (MANE Select); coding-DNA position 1189, one base deleted (G; older notation c.1189delG).
Protein change: p.Glu397fs; shifts the reading frame from glutamic acid 397.
Molecular consequence: frameshift variant.
Genome position (GRCh38, 1-based): chr14:64,796,709, C deleted on the plus strand (G on the coding strand, the reverse complement: SPTB is on the minus strand); the first of 3 consecutive C bases (chr14:64,796,709-64,796,711); deleting any one gives the same sequence. VCF-style (leftmost placement, unchanged base first): chr14-64796708-TC-T. GRCh37 (hg19) VCF-style: chr14-65263426-TC-T.
Other names: c.1189del, p.Glu397fs (NM_001024858.4, NM_001355437.2); short protein forms E397fs.
Identifiers: ClinVar variation 2920882 (VCV002920882.1), dbSNP rs2503181299, ClinGen allele CA2739277960.
Genomic context (GRCh38, chr14:64,796,708, plus strand): 5'-TGCCGAATGAGCTCATTTCTCAGGGCCAGCTCCCGCCGATACTCAGCTTCCTCCAGGCTT[TC>T]CCAGGCCTGCACAAAGGATGGAATGAGAATTCTTGGGGCACAGGAGAAATGCCTCACTTT-3'